The following is an entry in ClinVar:

ClinVar aggregate classification (germline): Uncertain significance. Review status: criteria provided, multiple submitters, no conflicts (2 of 4 stars). 2 submissions from 2 submitters: Uncertain significance (2). Last evaluated 2025-01-27.

Submissions (2):

Labcorp Genetics (formerly Invitae), Labcorp
Classification: Uncertain significance. Last evaluated: 2025-01-27. Review status: criteria provided, single submitter. Criteria: Invitae Variant Classification Sherloc (09022015). Collection method: clinical testing. Allele origin: germline.
Comment: This sequence change replaces proline, which is neutral and non-polar, with leucine, which is neutral and non-polar, at codon 1233 of the TAOK2 protein (p.Pro1233Leu). This variant is present in population databases (rs549071207, gnomAD 0.005%). This variant has not been reported in the literature in individuals affected with TAOK2-related conditions. ClinVar contains an entry for this variant (Variation ID: 3173798). An algorithm developed to predict the effect of missense changes on protein structure and function (PolyPhen-2) suggests that this variant is likely to be disruptive. In summary, the available evidence is currently insufficient to determine the role of this variant in disease. Therefore, it has been classified as a Variant of Uncertain Significance.

Ambry Genetics
Classification: Uncertain significance. Last evaluated: 2024-01-02. Review status: criteria provided, single submitter. Criteria: Ambry Variant Classification Scheme 2023. Collection method: clinical testing. Allele origin: germline.

NM_016151.4(TAOK2):c.3698C>T (p.Pro1233Leu)

Gene: TAOK2 (TAO kinase 2; plus strand). Cytogenetic location: 16p11.2.
Variant type: single nucleotide variant.
Coding change: c.3698C>T on transcript NM_016151.4 (MANE Select); coding-DNA position 3698, C replaced by T.
Protein change: p.Pro1233Leu; replaces proline 1233 with leucine.
Molecular consequence: missense variant. On other transcripts: intron variant (1).
Genome position (GRCh38, 1-based): chr16:29,987,970, C>T. VCF-style: chr16-29987970-C-T. GRCh37 (hg19) VCF-style: chr16-29999291-C-T.
Other names: c.3359C>T, p.Pro1120Leu (NM_001252043.2); c.2232+1466C>T (NM_004783.4); short protein forms P1233L, P1120L.
Identifiers: ClinVar variation 3173798 (VCV003173798.3), dbSNP rs549071207, ClinGen allele CA7998641.
Genomic context (GRCh38, chr16:29,987,970, plus strand): 5'-CACTGCCAGGGACTCTAGCCGGGCGGAGGTCACGCACCCGCCAGTCCCGGGCCCTGCCCC[C>T]CTGGAGGTAGCTGACTCCAGCCCTTCCAGCCCAAATCTAGAGCATTGAGCACTTTATCTC-3'
Protein context (NP_057235.2, residues 1223-1235): SRTRQSRALP[Pro1233Leu]WR